The following is an entry in ClinVar:

NM_004415.4(DSP):c.2111T>A (p.Val704Glu)

Gene: DSP (desmoplakin; plus strand). Cytogenetic location: 6p24.3.
Variant type: single nucleotide variant.
Coding change: c.2111T>A on transcript NM_004415.4 (MANE Select); coding-DNA position 2111, T replaced by A.
Protein change: p.Val704Glu; replaces valine 704 with glutamic acid.
Molecular consequence: missense variant.
Genome position (GRCh38, 1-based): chr6:7,572,049, T>A. VCF-style: chr6-7572049-T-A. GRCh37 (hg19) VCF-style: chr6-7572282-T-A.
Other names: c.2111T>A, p.Val704Glu (NM_001008844.3, NM_001319034.2); short protein forms V704E.
Identifiers: ClinVar variation 4757479 (VCV004757479.1).
Genomic context (GRCh38, chr6:7,572,049, plus strand): 5'-GCAGGATGACTCTCAAAAACCTCCCTCTAGCAGACCAGGGATCTTCTCACCACATCACAG[T>A]GAAAATTAACGAGCTTAAGGTAGGTATCTGCTAGTATTTTGCCTGGTTACCCTGTATATT-3'
Protein context (NP_004406.2, residues 694-714): ADQGSSHHIT[Val704Glu]KINELKSVQN

ClinVar aggregate classification (germline): Uncertain significance (1 of 4 stars; one submission).

Conditions:
Cardiomyopathy (CMYO). Also called: Cardiomyopathies. Identifiers: Orphanet 167848, MedGen C0878544, MONDO:0004994, HP:0001638. Inheritance: Various modes of inheritance.

Submission:

Color Diagnostics, LLC DBA Color Health
Classification: Uncertain significance for Cardiomyopathy. Last evaluated: 2025-07-07. Review status: criteria provided, single submitter. Criteria: ACMG Guidelines, 2015. Collection method: clinical testing. Allele origin: germline.
Comment: This missense variant replaces valine with glutamic acid at codon 704 of the DSP protein. Computational prediction suggests that this variant may not impact protein structure and function. To our knowledge, functional studies have not been reported for this variant. This variant has not been reported in individuals affected with DSP-related disorders in the literature. This variant has not been identified in the general population by the Genome Aggregation Database (gnomAD). The available evidence is insufficient to determine the role of this variant in disease conclusively. Therefore, this variant is classified as a Variant of Uncertain Significance.